The following is an entry in ClinVar:

NM_001365276.2(TNXB):c.7538G>A (p.Gly2513Asp)

Gene: TNXB (tenascin XB; minus strand). Cytogenetic location: 6p21.33.
Variant type: single nucleotide variant.
Coding change: c.7538G>A on transcript NM_001365276.2 (MANE Select); coding-DNA position 7538, G replaced by A.
Protein change: p.Gly2513Asp; replaces glycine 2513 with aspartic acid.
Molecular consequence: missense variant.
Genome position (GRCh38, 1-based): chr6:32,058,345, C>T on the plus strand (G>A on the coding strand, the complement: TNXB is on the minus strand). VCF-style: chr6-32058345-C-T. GRCh37 (hg19) VCF-style: chr6-32026122-C-T.
Other names: c.7538G>A, p.Gly2513Asp (NM_019105.8); short protein forms G2513D.
Identifiers: ClinVar variation 2240736 (VCV002240736.3), dbSNP rs765490990, ClinGen allele CA3734120.
Genomic context (GRCh38, chr6:32,058,345, plus strand): 5'-GATCCTGTCACTGTCAGCTCCCCCAGGAGAGGCTCCTCGGGGGGCCCTGGGGCCTCTGTG[C>T]CTGGTTCTGTAGGGCTGGGGGTCTCGTCCACATCCTCTTGTGGGGCTGAAAGGTAATATA-3'
Protein context (NP_001352205.1, residues 2503-2523): VDETPSPTEP[Gly2513Asp]TEAPGPPEEP

ClinVar aggregate classification (germline): Uncertain significance (1 of 4 stars; one submission).

Conditions:
Cardiovascular phenotype. Identifiers: MedGen CN230736.

Allele frequency attached by ClinVar (database versions not stated): gnomAD exomes 0.00001; ExAC 0.00003; TOPMed below 0.00001; gnomAD 0.00001.
gnomAD v4.1: 15 of 1,611,468 alleles (0.00093%); highest among the groups gnomAD compares: African/African-American, 0.0013%; no homozygotes.

Submission:

Ambry Genetics
Classification: Uncertain significance for Cardiovascular phenotype. Last evaluated: 2025-03-18. Review status: criteria provided, single submitter. Criteria: Ambry Variant Classification Scheme 2023. Collection method: clinical testing. Allele origin: germline.
Comment: The p.G2513D variant (also known as c.7538G>A), located in coding exon 21 of the TNXB gene, results from a G to A substitution at nucleotide position 7538. The glycine at codon 2513 is replaced by aspartic acid, an amino acid with similar properties. This amino acid position is conserved. In addition, this alteration is predicted to be tolerated by in silico analysis. Based on the available evidence, the clinical significance of this variant remains unclear.